The following is an entry in ClinVar:

ClinVar aggregate classification (germline): Uncertain significance (1 of 4 stars; one submission).

gnomAD v4.1: 8 of 1,207,974 alleles (0.00066%); highest among the groups gnomAD compares: Admixed American, 0.0022%; no homozygotes.

Submission:

Women's Health and Genetics/Laboratory Corporation of America, LabCorp
Classification: Uncertain significance. Last evaluated: 2024-12-26. Review status: criteria provided, single submitter. Criteria: LabCorp Variant Classification Summary - May 2015. Collection method: clinical testing. Allele origin: germline.
Comment: Variant summary: NDUFA1 c.-14G>A is located in the untranslated mRNA region upstream of the initiation codon. The variant allele was found at a frequency of 1.1e-05 in 183499 control chromosomes. The available data on variant occurrences in the general population are insufficient to allow any conclusion about variant significance. To our knowledge, no occurrence of c.-14G>A in individuals affected with Mitochondrial Complex 1 Deficiency, Nuclear Type 12 and no experimental evidence demonstrating its impact on protein function have been reported. No submitters have cited clinical-significance assessments for this variant to ClinVar. Based on the evidence outlined above, the variant was classified as uncertain significance.

NM_004541.4(NDUFA1):c.-14G>A

Genes: NDUFA1 (NADH:ubiquinone oxidoreductase subunit A1; plus strand), LOC130068621 (ATAC-STARR-seq lymphoblastoid active region 29902; plus strand). Cytogenetic location: Xq24.
Variant type: single nucleotide variant.
Coding change: c.-14G>A on transcript NM_004541.4 (MANE Select); 14 bases upstream of the start codon, G replaced by A.
Molecular consequence: 5 prime UTR variant.
Genome position (GRCh38, 1-based): chrX:119,871,898, G>A. VCF-style: chrX-119871898-G-A. GRCh37 (hg19) VCF-style: chrX-119005861-G-A.
Identifiers: ClinVar variation 3768420 (VCV003768420.1).